The following is an entry in ClinVar:

ClinVar aggregate classification (germline): Pathogenic. Review status: criteria provided, multiple submitters, no conflicts (2 of 4 stars). 2 submissions from 2 submitters: Pathogenic (2). Last evaluated 2025-09-02.

Conditions:
DICER1-related tumor predisposition. Also called: DICER1-related pleuropulmonary blastoma cancer predisposition syndrome; DICER1 syndrome. Identifiers: Orphanet 284343, MedGen C3839822, MONDO:0100216.
Hereditary cancer-predisposing syndrome. Also called: Tumor predisposition; Neoplastic Syndromes, Hereditary; Hereditary Cancer Syndrome; Hereditary neoplastic syndrome. Identifiers: Orphanet 140162, MedGen C0027672, MeSH D009386, MONDO:0015356.

Submissions (2):

Ambry Genetics
Classification: Pathogenic for Hereditary cancer-predisposing syndrome. Last evaluated: 2025-09-02. Review status: criteria provided, single submitter. Criteria: Ambry Variant Classification Scheme 2023. Collection method: clinical testing. Allele origin: germline.
Comment: The c.535delC pathogenic mutation, located in coding exon 4 of the DICER1 gene, results from a deletion of one nucleotide at nucleotide position 535, causing a translational frameshift with a predicted alternate stop codon (p.A180Qfs*3). This variant is considered to be rare based on population cohorts in the Genome Aggregation Database (gnomAD). This alteration is expected to result in loss of function by premature protein truncation or nonsense-mediated mRNA decay. As such, this alteration is interpreted as a disease-causing mutation.

Labcorp Genetics (formerly Invitae), Labcorp
Classification: Pathogenic for DICER1-related tumor predisposition. Last evaluated: 2017-04-05. Review status: criteria provided, single submitter. Criteria: Invitae Variant Classification Sherloc (09022015). Collection method: clinical testing. Allele origin: germline.
Comment: For these reasons, this variant has been classified as Pathogenic. While this particular variant has not been reported in the literature, loss-of-function variants in DICER1 are known to be pathogenic (PMID: 19556464, 21266384). This sequence change deletes 1 nucleotide in exon 5 of the DICER1 mRNA (c.535delC), causing a frameshift at codon 180. This creates a premature translational stop signal (p.Ala180Glnfs*3) and is expected to result in an absent or disrupted protein product.

Literature cited by the submitters: PubMed 19556464 (cited by Labcorp Genetics (formerly Invitae), Labcorp); PubMed 21266384 (cited by Labcorp Genetics (formerly Invitae), Labcorp).

NM_177438.3(DICER1):c.535del (p.Ala180fs)

Gene: DICER1 (dicer 1, ribonuclease III; minus strand). Cytogenetic location: 14q32.13.
Variant type: Deletion.
Coding change: c.535del on transcript NM_177438.3 (MANE Select); coding-DNA position 535, one base deleted (C; older notation c.535delC).
Protein change: p.Ala180fs; shifts the reading frame from alanine 180.
Molecular consequence: frameshift variant.
Genome position (GRCh38, 1-based): chr14:95,130,096, G deleted on the plus strand (C on the coding strand, the reverse complement: DICER1 is on the minus strand). VCF-style (leftmost placement, unchanged base first): chr14-95130095-AG-A. GRCh37 (hg19) VCF-style: chr14-95596432-AG-A.
Other names: c.535del, p.Ala180fs (NM_001195573.1, NM_001271282.3, NM_001291628.2 and 1 more transcripts); c.535delC (NM_177438.2); short protein forms A180fs.
Identifiers: ClinVar variation 477257 (VCV000477257.11), dbSNP rs1555375946, ClinGen allele CA658658270.
Genomic context (GRCh38, chr14:95,130,095, plus strand): 5'-TAAGACTTAGGTCTAAAACTTACCTTCATAATTTCTCGATAGGGGTGGTCTAGGATTGCA[AG>A]ATGACACTCATCAAACACCAAAAGGTTAATGTCTGACAGTGATAAGTAACCATTTTTCAA-3'